The following is an entry in ClinVar:

ClinVar aggregate classification (germline): Conflicting classifications of pathogenicity. Review status: criteria provided, conflicting classifications (1 of 4 stars). 8 submissions from 7 submitters: Uncertain significance (2); Likely benign (5). 1 of the submissions does not count toward it. Last evaluated 2026-01-26.

Conditions:
Usher syndrome type 1 (USH1). Also called: RETINITIS PIGMENTOSA AND CONGENITAL DEAFNESS. Identifiers: Orphanet 231169, Orphanet 886, MedGen C1568247, MONDO:0010168, OMIM 276900.
Autosomal recessive nonsyndromic hearing loss 12. Also called: DEAFNESS, AUTOSOMAL RECESSIVE 12. Identifiers: Orphanet 90636, MedGen C1832394, MONDO:0011067, OMIM 601386.
CDH23-related disorder. Also called: CDH23-related disorders; CDH23-related condition.
Usher syndrome type 1D (USH1D). Also called: USHER SYNDROME, TYPE ID. Identifiers: Orphanet 231169, Orphanet 886, MedGen C1832845, MONDO:0010984, OMIM 601067.

Allele frequency attached by ClinVar (database versions not stated): TOPMed 0.00014; gnomAD exomes 0.00015; ESP Exome Variant Server 0.00016; gnomAD 0.00011 and 0.00012; ExAC 0.00014.
gnomAD v4.1: 198 of 1,613,678 alleles (0.012%); highest among the groups gnomAD compares: South Asian, 0.02%; no homozygotes.

Submissions (8):

Labcorp Genetics (formerly Invitae), Labcorp
Classification: Likely benign. Last evaluated: 2026-01-26. Review status: criteria provided, single submitter. Criteria: Invitae Variant Classification Sherloc (09022015). Collection method: clinical testing. Allele origin: germline.

PreventionGenetics, part of Exact Sciences
Classification: Likely benign for CDH23-related condition. Last evaluated: 2025-03-04. Review status: criteria provided, single submitter. Criteria: ACMG Guidelines, 2015. Collection method: clinical testing. Allele origin: germline.
Comment: This variant is classified as likely benign based on ACMG/AMP sequence variant interpretation guidelines (Richards et al. 2015 PMID: 25741868, with internal and published modifications).

Blueprint Genetics
Classification: Likely benign. Last evaluated: 2024-10-17. Review status: criteria provided, single submitter. Criteria: ACMG Guidelines, 2015. Collection method: clinical testing. Allele origin: germline.

CeGaT Center for Human Genetics Tuebingen
Classification: Likely benign. Last evaluated: 2024-07-01. Review status: criteria provided, single submitter. Criteria: CeGaT Center For Human Genetics Tuebingen Variant Classification Criteria Version 2. Collection method: clinical testing. Allele origin: germline. Affected: yes. Observed: 3 variant alleles.
Comment: CDH23: BP4, BP7

Genome-Nilou Lab
Classification: Likely benign for Usher syndrome type 1D. Last evaluated: 2021-05-18. Review status: criteria provided, single submitter. Criteria: ACMG Guidelines, 2015. Collection method: clinical testing. Allele origin: germline. Affected: no.

Illumina Laboratory Services, Illumina
Classification: Uncertain significance for Autosomal recessive nonsyndromic hearing loss 12. Last evaluated: 2018-01-13. Review status: criteria provided, single submitter. Criteria: ICSL Variant Classification Criteria 13 December 2019. Collection method: clinical testing. Allele origin: germline.

Illumina Laboratory Services, Illumina
Classification: Uncertain significance for Usher syndrome type 1D. Last evaluated: 2018-01-13. Review status: criteria provided, single submitter. Criteria: ICSL Variant Classification Criteria 13 December 2019. Collection method: clinical testing. Allele origin: germline.

Natera, Inc.
Classification: Likely benign for Usher syndrome type 1. Last evaluated: 2020-01-21. Review status: no assertion criteria provided. Collection method: clinical testing. Allele origin: germline. Not counted in ClinVar's aggregate classification.

NM_022124.6(CDH23):c.2235C>T (p.Ile745=)

Gene: CDH23 (cadherin related 23; plus strand). Cytogenetic location: 10q22.1.
Variant type: single nucleotide variant.
Coding change: c.2235C>T on transcript NM_022124.6 (MANE Select); coding-DNA position 2235, C replaced by T.
Protein change: p.Ile745=; no amino-acid change (isoleucine 745 retained).
Molecular consequence: synonymous variant.
Genome position (GRCh38, 1-based): chr10:71,694,205, C>T. VCF-style: chr10-71694205-C-T. GRCh37 (hg19) VCF-style: chr10-73453962-C-T.
Other names: c.2235C>T, p.Ile745= (NM_001171930.2, NM_001171931.2).
Identifiers: ClinVar variation 300412 (VCV000300412.46), dbSNP rs368841307, ClinGen allele CA5544134.